The following is an entry in ClinVar:

ClinVar aggregate classification (germline): Likely benign (1 of 4 stars; one submission).

Conditions:
LEPR-related disorder. Also called: LEPR-related condition; LEPR-related disorders.

Submission:

PreventionGenetics, part of Exact Sciences
Classification: Likely benign for LEPR-related condition. Last evaluated: 2026-01-27. Review status: criteria provided, single submitter. Criteria: ACMG Guidelines, 2015. Collection method: clinical testing. Allele origin: germline.
Comment: This variant is classified as likely benign based on ACMG/AMP sequence variant interpretation guidelines (Richards et al. 2015 PMID: 25741868, with internal and published modifications).

NM_002303.6(LEPR):c.2492-9C>G

Gene: LEPR (leptin receptor; plus strand). Cytogenetic location: 1p31.3.
Variant type: single nucleotide variant.
Coding change: c.2492-9C>G on transcript NM_002303.6 (MANE Select); 9 bases into the intron before coding-DNA position 2492, C replaced by G.
Molecular consequence: intron variant.
Genome position (GRCh38, 1-based): chr1:65,621,344, C>G. VCF-style: chr1-65621344-C-G. GRCh37 (hg19) VCF-style: chr1-66087027-C-G.
Other names: c.2492-9C>G (NM_001003679.3, NM_001003680.3, NM_001198689.2 and 2 more transcripts).
Identifiers: ClinVar variation 4978854 (VCV004978854.1).